The following is an entry in ClinVar:

ClinVar aggregate classification (germline): Uncertain significance. Review status: criteria provided, multiple submitters, no conflicts (2 of 4 stars). 2 submissions from 2 submitters: Uncertain significance (2). Last evaluated 2024-02-17.

Conditions:
Myofibrillar myopathy 5. Also called: Filaminopathy (type); FILAMINOPATHY, AUTOSOMAL DOMINANT. Identifiers: Orphanet 171445, MedGen C1836050, MONDO:0012289, OMIM 609524.
Distal myopathy with posterior leg and anterior hand involvement. Also called: WILLIAMS DISTAL MYOPATHY. Identifiers: Orphanet 63273, MedGen C3279722, MONDO:0013550, OMIM 614065.
Hypertrophic cardiomyopathy 26. Also called: Cardiomyopathy, familial hypertrophic, 26. Identifiers: Orphanet 75249, MedGen C4310749, MONDO:0014883, OMIM 617047.

Allele frequency attached by ClinVar (database versions not stated): gnomAD exomes below 0.00001.
gnomAD v4.1: 1 of 1,560,426 alleles (0.000064%); highest among the groups gnomAD compares: African/African-American, 0.0014%; no homozygotes.

Submissions (2):

Labcorp Genetics (formerly Invitae), Labcorp
Classification: Uncertain significance for Distal myopathy with posterior leg and anterior hand involvement; Myofibrillar myopathy 5; Hypertrophic cardiomyopathy 26. Last evaluated: 2024-02-17. Review status: criteria provided, single submitter. Criteria: Invitae Variant Classification Sherloc (09022015). Collection method: clinical testing. Allele origin: germline.
Comment: This sequence change falls in intron 3 of the FLNC gene. It does not directly change the encoded amino acid sequence of the FLNC protein. It affects a nucleotide within the consensus splice site. This variant is not present in population databases (gnomAD no frequency). This variant has not been reported in the literature in individuals affected with FLNC-related conditions. ClinVar contains an entry for this variant (Variation ID: 1804965). Variants that disrupt the consensus splice site are a relatively common cause of aberrant splicing (PMID: 17576681, 9536098). Algorithms developed to predict the effect of sequence changes on RNA splicing suggest that this variant is not likely to affect RNA splicing. In summary, the available evidence is currently insufficient to determine the role of this variant in disease. Therefore, it has been classified as a Variant of Uncertain Significance.

Victorian Clinical Genetics Services, Murdoch Childrens Research Institute
Classification: Uncertain significance for Hypertrophic cardiomyopathy 26. Last evaluated: 2021-05-06. Review status: criteria provided, single submitter. Criteria: ACMG Guidelines, 2015. Collection method: clinical testing. Allele origin: germline. Inheritance: Autosomal dominant inheritance. Affected: yes.
Comment: Based on the classification scheme VCGS_Germline_v1.3.4, this variant is classified as VUS-3C. Following criteria are met: 0103 - Loss of function and gain of function are known mechanisms of disease in this gene. Loss of function is the established mechanism of disease for variants in dilated cardiomyopathy, hypertrophic cardiomyopathy, restrictive cardiomyopathy (MIM#617047) and myofibrillar myopathy (MIM#609524). In distal myopathy (MIM#614065), NMD-predicted variants cause a loss of function, however missense variants have been shown to result in a toxic gain of function (PMID: 32112656). (I) 0107 - This gene is associated with autosomal dominant disease. (I) 0212 - Non-canonical splice site variant without proven consequence on splicing (no functional evidence available). (SP) 0251 - This variant is heterozygous. (I) 0301 - Variant is absent from gnomAD (both v2 and v3). (SP) 0506 - Abnormal splicing is not predicted and nucleotide is poorly conserved. (SB) 0705 - No comparable splice variants have previous evidence for pathogenicity. (I) 0807 - This variant has no previous evidence of pathogenicity. (I) 0905 - No published segregation evidence has been identified for this variant. (I) 1007 - No published functional evidence has been identified for this variant. (I) 1208 - Inheritance information for this variant is not currently available in this individual. (I) Legend: (SP) - Supporting pathogenic, (I) - Information, (SB) - Supporting benign

Literature cited by the submitters: PubMed 17576681 (cited by Labcorp Genetics (formerly Invitae), Labcorp); PubMed 9536098 (cited by Labcorp Genetics (formerly Invitae), Labcorp); PubMed 32112656 (cited by Victorian Clinical Genetics Services, Murdoch Childrens Research Institute).

NM_001458.5(FLNC):c.699+4C>T

Gene: FLNC (filamin C; plus strand). Cytogenetic location: 7q32.1.
Variant type: single nucleotide variant.
Coding change: c.699+4C>T on transcript NM_001458.5 (MANE Select); 4 bases into the intron after coding-DNA position 699, C replaced by T.
Molecular consequence: intron variant.
Genome position (GRCh38, 1-based): chr7:128,837,261, C>T. VCF-style: chr7-128837261-C-T. GRCh37 (hg19) VCF-style: chr7-128477315-C-T.
Other names: c.699+4C>T (NM_001127487.2).
Identifiers: ClinVar variation 1804965 (VCV001804965.3), dbSNP rs2536617750, ClinGen allele CA1139771236.